The following is an entry in ClinVar:

ClinVar aggregate classification (germline): Uncertain significance. Review status: criteria provided, multiple submitters, no conflicts (2 of 4 stars). 4 submissions from 4 submitters: Uncertain significance (3). 1 of the submissions does not count toward it. Last evaluated 2024-01-28.

Conditions:
Fumarase deficiency (FMRD). Also called: Fumarate Hydratase Deficiency; Fumaric aciduria. Identifiers: Orphanet 24, MedGen C0342770, MONDO:0011730, OMIM 606812.
Hereditary cancer-predisposing syndrome. Also called: Neoplastic Syndromes, Hereditary; Hereditary neoplastic syndrome; Hereditary Cancer Syndrome; Tumor predisposition. Identifiers: Orphanet 140162, MedGen C0027672, MeSH D009386, MONDO:0015356.

Submissions (4):

Labcorp Genetics (formerly Invitae), Labcorp
Classification: Uncertain significance. Last evaluated: 2024-01-28. Review status: criteria provided, single submitter. Criteria: Invitae Variant Classification Sherloc (09022015). Collection method: clinical testing. Allele origin: germline.
Comment: This sequence change replaces isoleucine, which is neutral and non-polar, with valine, which is neutral and non-polar, at codon 357 of the FH protein (p.Ile357Val). This variant is not present in population databases (gnomAD no frequency). This variant has not been reported in the literature in individuals affected with FH-related conditions. ClinVar contains an entry for this variant (Variation ID: 991799). Advanced modeling of protein sequence and biophysical properties (such as structural, functional, and spatial information, amino acid conservation, physicochemical variation, residue mobility, and thermodynamic stability) performed at Invitae indicates that this missense variant is not expected to disrupt FH protein function with a negative predictive value of 95%. In summary, the available evidence is currently insufficient to determine the role of this variant in disease. Therefore, it has been classified as a Variant of Uncertain Significance.

Baylor Genetics
Classification: Uncertain significance for Fumarase deficiency. Last evaluated: 2023-09-15. Review status: criteria provided, single submitter. Criteria: ACMG Guidelines, 2015. Collection method: clinical testing. Allele origin: unknown.

Ambry Genetics
Classification: Uncertain significance for Hereditary cancer-predisposing syndrome. Last evaluated: 2022-04-15. Review status: criteria provided, single submitter. Criteria: Ambry Variant Classification Scheme 2023. Collection method: clinical testing. Allele origin: germline.
Comment: The p.I357V variant (also known as c.1069A>G), located in coding exon 7 of the FH gene, results from an A to G substitution at nucleotide position 1069. The isoleucine at codon 357 is replaced by valine, an amino acid with highly similar properties. This amino acid position is highly conserved in available vertebrate species. In addition, the in silico prediction for this alteration is inconclusive. Since supporting evidence is limited at this time, the clinical significance of this alteration remains unclear.

Natera, Inc.
Classification: Uncertain significance for Fumarase deficiency. Last evaluated: 2020-08-13. Review status: no assertion criteria provided. Collection method: clinical testing. Allele origin: germline. Not counted in ClinVar's aggregate classification.

NM_000143.4(FH):c.1069A>G (p.Ile357Val)

Gene: FH (fumarate hydratase; minus strand). Cytogenetic location: 1q43.
Variant type: single nucleotide variant.
Coding change: c.1069A>G on transcript NM_000143.4 (MANE Select); coding-DNA position 1069, A replaced by G.
Protein change: p.Ile357Val; replaces isoleucine 357 with valine.
Molecular consequence: missense variant.
Genome position (GRCh38, 1-based): chr1:241,504,081, T>C on the plus strand (A>G on the coding strand, the complement: FH is on the minus strand). VCF-style: chr1-241504081-T-C. GRCh37 (hg19) VCF-style: chr1-241667381-T-C.
Other names: c.1069A>G (NM_000143.3); short protein forms I357V.
Identifiers: ClinVar variation 991799 (VCV000991799.5), dbSNP rs1027877625, ClinGen allele CA345438062.